The following is an entry in ClinVar:

ClinVar aggregate classification (germline): Uncertain significance (1 of 4 stars; one submission).

Conditions:
Cardiovascular phenotype. Identifiers: MedGen CN230736.

Submission:

Ambry Genetics
Classification: Uncertain significance for Cardiovascular phenotype. Last evaluated: 2023-02-08. Review status: criteria provided, single submitter. Criteria: Ambry Variant Classification Scheme 2023. Collection method: clinical testing. Allele origin: germline.
Comment: The p.S482N variant (also known as c.1445G>A), located in coding exon 6 of the PKP2 gene, results from a G to A substitution at nucleotide position 1445. The serine at codon 482 is replaced by asparagine, an amino acid with highly similar properties. This amino acid position is conserved. In addition, this alteration is predicted to be tolerated by in silico analysis. Since supporting evidence is limited at this time, the clinical significance of this alteration remains unclear.

NM_001005242.3(PKP2):c.1379-2042G>A

Gene: PKP2 (plakophilin 2; minus strand). Cytogenetic location: 12p11.21.
Variant type: single nucleotide variant.
Coding change: c.1379-2042G>A on transcript NM_001005242.3 (MANE Select); 2042 bases into the intron before coding-DNA position 1379, G replaced by A.
Molecular consequence: intron variant. On other transcripts: missense variant (2).
Genome position (GRCh38, 1-based): chr12:32,843,247, C>T on the plus strand (G>A on the coding strand, the complement: PKP2 is on the minus strand). VCF-style: chr12-32843247-C-T. GRCh37 (hg19) VCF-style: chr12-32996181-C-T.
Other names: c.1445G>A, p.Ser482Asn (NM_001407157.1, NM_004572.4); c.1379-2042G>A (NM_001407156.1, NM_001407155.1, NM_001407161.1); c.1052-2042G>A (NM_001407160.1, NM_001407159.1, NM_001407158.1 and 1 more transcripts); short protein forms S482N.
Identifiers: ClinVar variation 2449725 (VCV002449725.2), dbSNP rs2541270281, ClinGen allele CA384368673.